The following is an entry in ClinVar:

ClinVar aggregate classification (germline): Conflicting classifications of pathogenicity. Review status: criteria provided, conflicting classifications (1 of 4 stars). 3 submissions from 3 submitters: Uncertain significance (2); Benign (1). Last evaluated 2026-01-27.

Conditions:
Adams-Oliver syndrome 5 (AOS5). Identifiers: Orphanet 974, MedGen C4014970, MONDO:0014459, OMIM 616028.
Familial thoracic aortic aneurysm and aortic dissection (TAAD). Also called: Thoracic aortic aneurysms and dissections. Identifiers: Orphanet 91387, MedGen C4707243, MONDO:0019625.

Allele frequency attached by ClinVar (database versions not stated): gnomAD 0.00001 and 0.00002; TOPMed 0.00001; gnomAD exomes 0.00002; ExAC 0.00003; ESP Exome Variant Server 0.00008; 1000 Genomes Project 0.00040; 1000 Genomes Project 30x 0.00047.
gnomAD v4.1: 15 of 1,609,100 alleles (0.00093%); highest among the groups gnomAD compares: Admixed American, 0.005%; no homozygotes.

Submissions (3):

Labcorp Genetics (formerly Invitae), Labcorp
Classification: Benign for Adams-Oliver syndrome 5. Last evaluated: 2026-01-27. Review status: criteria provided, single submitter. Criteria: Invitae Variant Classification Sherloc (09022015). Collection method: clinical testing. Allele origin: germline.

Ambry Genetics
Classification: Uncertain significance for Familial thoracic aortic aneurysm and aortic dissection. Last evaluated: 2025-09-17. Review status: criteria provided, single submitter. Criteria: Ambry Variant Classification Scheme 2023. Collection method: clinical testing. Allele origin: germline.
Comment: The p.R2120C variant (also known as c.6358C>T), located in coding exon 34 of the NOTCH1 gene, results from a C to T substitution at nucleotide position 6358. The arginine at codon 2120 is replaced by cysteine, an amino acid with highly dissimilar properties. This amino acid position is conserved. In addition, this alteration is predicted to be deleterious by in silico analysis. Based on the available evidence, the clinical significance of this variant remains unclear.

GeneDx
Classification: Uncertain significance. Last evaluated: 2023-03-28. Review status: criteria provided, single submitter. Criteria: GeneDx Variant Classification Process June 2021. Collection method: clinical testing. Allele origin: germline. Affected: yes.
Comment: Has not been previously published as pathogenic or benign to our knowledge; In silico analysis supports that this missense variant has a deleterious effect on protein structure/function

NM_017617.5(NOTCH1):c.6358C>T (p.Arg2120Cys)

Gene: NOTCH1 (notch receptor 1; minus strand). Cytogenetic location: 9q34.3.
Variant type: single nucleotide variant.
Coding change: c.6358C>T on transcript NM_017617.5 (MANE Select); coding-DNA position 6358, C replaced by T.
Protein change: p.Arg2120Cys; replaces arginine 2120 with cysteine.
Molecular consequence: missense variant.
Genome position (GRCh38, 1-based): chr9:136,497,381, G>A on the plus strand (C>T on the coding strand, the complement: NOTCH1 is on the minus strand). VCF-style: chr9-136497381-G-A. GRCh37 (hg19) VCF-style: chr9-139391833-G-A.
Other names: c.6358C>T, p.Arg2120Cys (LRG_1122t1); short protein forms R2120C.
Identifiers: ClinVar variation 393250 (VCV000393250.10), dbSNP rs375969725, ClinGen allele CA5339926.
Genomic context (GRCh38, chr9:136,497,381, plus strand): 5'-AGAGCGGGGGCGACAGGGTGGGCGTGCCCCCCAGCGGGGCTCCGTGCAGCTGCGGGCTGC[G>A]CACCAGGTTGTACTCGTCCAGCAGCCTCACGATGTCGTGATGCATGCGCTCCTGTGCGAT-3'
Protein context (NP_060087.3, residues 2110-2130): VRLLDEYNLV[Arg2120Cys]SPQLHGAPLG